The following is an entry in ClinVar:

NM_001145026.2(PTPRQ):c.6845C>G (p.Ser2282Cys)

Gene: PTPRQ (protein tyrosine phosphatase receptor type Q; plus strand). Cytogenetic location: 12q21.31.
Variant type: single nucleotide variant.
Coding change: c.6845C>G on transcript NM_001145026.2 (MANE Select); coding-DNA position 6845, C replaced by G.
Protein change: p.Ser2282Cys; replaces serine 2282 with cysteine.
Molecular consequence: missense variant.
Genome position (GRCh38, 1-based): chr12:80,678,708, C>G. VCF-style: chr12-80678708-C-G. GRCh37 (hg19) VCF-style: chr12-81072487-C-G.
Other names: short protein forms S2282C.
Identifiers: ClinVar variation 3901805 (VCV003901805.1).

ClinVar aggregate classification (germline): Uncertain significance (1 of 4 stars; one submission).

Submission:

GeneDx
Classification: Uncertain significance. Last evaluated: 2024-12-09. Review status: criteria provided, single submitter. Criteria: GeneDx Variant Classification Process June 2021. Collection method: clinical testing. Allele origin: germline. Affected: yes.
Comment: Not observed at significant frequency in large population cohorts (gnomAD); In silico analysis supports that this missense variant has a deleterious effect on protein structure/function; Has not been previously published as pathogenic or benign to our knowledge